The following is an entry in ClinVar:

NM_000051.4(ATM):c.7195C>A (p.Gln2399Lys)

Genes: ATM (ATM serine/threonine kinase; plus strand), C11orf65 (chromosome 11 open reading frame 65; minus strand). Cytogenetic location: 11q22.3.
Variant type: single nucleotide variant.
Coding change: c.7195C>A on transcript NM_000051.4 (MANE Select); coding-DNA position 7195, C replaced by A.
Protein change: p.Gln2399Lys; replaces glutamine 2399 with lysine.
Molecular consequence: missense variant. On other transcripts: intron variant (2).
Genome position (GRCh38, 1-based): chr11:108,329,126, C>A. VCF-style: chr11-108329126-C-A. GRCh37 (hg19) VCF-style: chr11-108199853-C-A.
Other names: c.*38+6094G>T (NM_001351110.2); c.7195C>A, p.Gln2399Lys (NM_001351834.2); c.641-20055G>T (NM_001330368.2); short protein forms Q2399K.
Identifiers: ClinVar variation 848547 (VCV000848547.10), dbSNP rs2085985186, ClinGen allele CA382559602.

ClinVar aggregate classification (germline): Uncertain significance. Review status: criteria provided, multiple submitters, no conflicts (2 of 4 stars). 2 submissions from 2 submitters: Uncertain significance (2). Last evaluated 2024-04-29.

Conditions:
Hereditary cancer-predisposing syndrome. Also called: Tumor predisposition; Neoplastic Syndromes, Hereditary; Hereditary Cancer Syndrome; Hereditary neoplastic syndrome. Identifiers: Orphanet 140162, MedGen C0027672, MeSH D009386, MONDO:0015356.
Ataxia-telangiectasia syndrome (AT). Also called: ATAXIA-TELANGIECTASIA, COMPLEMENTATION GROUP A; ATAXIA-TELANGIECTASIA, FRESNO VARIANT; Ataxia-telangiectasia; Ataxia-telangiectasia, complementation group D; AT, COMPLEMENTATION GROUP C; Ataxia-telangiectasia, complementation group E. Identifiers: Orphanet 100, MedGen C0004135, MONDO:0008840, OMIM 208900.

Submissions (2):

Labcorp Genetics (formerly Invitae), Labcorp
Classification: Uncertain significance for Ataxia-telangiectasia syndrome. Last evaluated: 2024-04-29. Review status: criteria provided, single submitter. Criteria: Invitae Variant Classification Sherloc (09022015). Collection method: clinical testing. Allele origin: germline.
Comment: This sequence change replaces glutamine, which is neutral and polar, with lysine, which is basic and polar, at codon 2399 of the ATM protein (p.Gln2399Lys). This variant is not present in population databases (gnomAD no frequency). This variant has not been reported in the literature in individuals affected with ATM-related conditions. ClinVar contains an entry for this variant (Variation ID: 848547). An algorithm developed to predict the effect of missense changes on protein structure and function (PolyPhen-2) suggests that this variant is likely to be disruptive. In summary, the available evidence is currently insufficient to determine the role of this variant in disease. Therefore, it has been classified as a Variant of Uncertain Significance.

Ambry Genetics
Classification: Uncertain significance for Hereditary cancer-predisposing syndrome. Last evaluated: 2017-11-29. Review status: criteria provided, single submitter. Criteria: Ambry Variant Classification Scheme 2023. Collection method: clinical testing. Allele origin: germline.
Comment: The p.Q2399K variant (also known as c.7195C>A), located in coding exon 48 of the ATM gene, results from a C to A substitution at nucleotide position 7195. The glutamine at codon 2399 is replaced by lysine, an amino acid with similar properties. This amino acid position is highly conserved in available vertebrate species. In addition, this alteration is predicted to be deleterious by in silico analysis. Since supporting evidence is limited at this time, the clinical significance of this alteration remains unclear.